The following is an entry in ClinVar:

NM_006103.4(WFDC2):c.24dup (p.Leu9fs)

Gene: WFDC2 (WAP four-disulfide core domain 2; plus strand). Cytogenetic location: 20q13.12.
Variant type: Duplication.
Coding change: c.24dup on transcript NM_006103.4 (MANE Select); coding-DNA position 24, one base duplicated (G; older notation c.24dupG).
Protein change: p.Leu9fs; shifts the reading frame from leucine 9.
Molecular consequence: frameshift variant.
Genome position (GRCh38, 1-based): chr20:45,469,805, G duplicated. VCF-style (leftmost placement, unchanged base first): chr20-45469804-C-CG. GRCh37 (hg19) VCF-style: chr20-44098444-C-CG.
Other names: short protein forms L9fs.
Identifiers: ClinVar variation 4839417 (VCV004839417.1).

ClinVar aggregate classification (germline): Pathogenic (1 of 4 stars; one submission).

Submission:

Ambry Genetics
Classification: Pathogenic. Last evaluated: 2026-01-27. Review status: criteria provided, single submitter. Criteria: Ambry Variant Classification Scheme 2023. Collection method: clinical testing. Allele origin: germline.
Comment: The c.24dupG (p.L9Afs*34) alteration, located in exon 1 (coding exon 1) of the WFDC2 gene, consists of a duplication of G at position 24, causing a translational frameshift with a predicted alternate stop codon after 34 amino acids. This variant is expected to result in loss of function by premature protein truncation or nonsense-mediated mRNA decay. This variant was not reported in population-based cohorts in the Genome Aggregation Database (gnomAD). Based on the available evidence, this alteration is classified as pathogenic.